The following is an entry in ClinVar:

ClinVar aggregate classification (germline): Uncertain significance (1 of 4 stars; one submission).

Conditions:
Cardiomyopathy (CMYO). Also called: Cardiomyopathies. Identifiers: Orphanet 167848, MedGen C0878544, MONDO:0004994, HP:0001638. Inheritance: Various modes of inheritance.

Submission:

Color Diagnostics, LLC DBA Color Health
Classification: Uncertain significance for Cardiomyopathy. Last evaluated: 2021-03-18. Review status: criteria provided, single submitter. Criteria: ACMG Guidelines, 2015. Collection method: clinical testing. Allele origin: germline.
Comment: This variant changes 1 nucleotide in exon 4 of the ACTC1 gene, creating a premature translation stop signal. This variant is expected to result in an absent or non-functional protein product. To our knowledge, this variant has not been reported in individuals affected with cardiovascular disorders in the literature. This variant has not been identified in the general population by the Genome Aggregation Database (gnomAD). Clinical relevance of loss-of-function truncation and splice variants in the ACTC1 gene is not clearly established. The available evidence is insufficient to determine the role of this variant in disease conclusively. Therefore, this variant is classified as a Variant of Uncertain Significance.

NM_005159.5(ACTC1):c.504T>A (p.Tyr168Ter)

Genes: ACTC1 (actin alpha cardiac muscle 1; minus strand), GJD2-DT (GJD2 divergent transcript; plus strand). Cytogenetic location: 15q14.
Variant type: single nucleotide variant.
Coding change: c.504T>A on transcript NM_005159.5 (MANE Select); coding-DNA position 504, T replaced by A.
Protein change: p.Tyr168Ter; replaces tyrosine 168 with a stop codon.
Molecular consequence: nonsense.
Genome position (GRCh38, 1-based): chr15:34,792,520, A>T on the plus strand (T>A on the coding strand, the complement: ACTC1 is on the minus strand). VCF-style: chr15-34792520-A-T. GRCh37 (hg19) VCF-style: chr15-35084721-A-T.
Other names: short protein forms Y168*.
Identifiers: ClinVar variation 1332337 (VCV001332337.2), dbSNP rs2140430970, ClinGen allele CA391631087.
Genomic context (GRCh38, chr15:34,792,520, plus strand): 5'-AGTGAGGTCCCGACCAGCCAGATCCAGACGCATGATGGCATGGGGCAAAGCGTAGCCCTC[A>T]TAGATGGGGACATTGTGAGTTACACCATCCCCAGAGTCCAGAACAATGCCTGCCCGGGGA-3'